The following is an entry in ClinVar:

ClinVar aggregate classification (germline): Uncertain significance (1 of 4 stars; one submission).

Conditions:
CACNB2-related disorder. Also called: CACNB2-related condition.

gnomAD v4.1: 1 of 1,614,034 alleles (0.000062%); highest among the groups gnomAD compares: South Asian, 0.0011%; no homozygotes.

Submission:

PreventionGenetics, part of Exact Sciences
Classification: Uncertain significance for CACNB2-related condition. Last evaluated: 2025-12-10. Review status: criteria provided, single submitter. Criteria: ACMG Guidelines, 2015. Collection method: clinical testing. Allele origin: germline.
Comment: The CACNB2 c.145G>A variant is predicted to result in the amino acid substitution p.Ala49Thr. To our knowledge, this variant has not been reported in the literature or in a large population database (gnomAD), indicating this variant is rare. At this time, the clinical significance of this variant is uncertain due to the absence of conclusive functional and genetic evidence.

NM_201596.3(CACNB2):c.307G>A (p.Ala103Thr)

Gene: CACNB2 (calcium voltage-gated channel auxiliary subunit beta 2; plus strand). Cytogenetic location: 10p12.31.
Variant type: single nucleotide variant.
Coding change: c.307G>A on transcript NM_201596.3 (MANE Select); coding-DNA position 307, G replaced by A.
Protein change: p.Ala103Thr; replaces alanine 103 with threonine.
Molecular consequence: missense variant.
Genome position (GRCh38, 1-based): chr10:18,402,017, G>A. VCF-style: chr10-18402017-G-A. GRCh37 (hg19) VCF-style: chr10-18690946-G-A.
Other names: c.142G>A, p.Ala48Thr (NM_000724.4, NM_001330060.2); c.223G>A, p.Ala75Thr (NM_001167945.2, NM_201571.4, NM_201572.4); c.163G>A, p.Ala55Thr (NM_001410882.1, NM_201570.3); c.145G>A, p.Ala49Thr (NM_201590.3); c.307G>A, p.Ala103Thr (NM_201593.3, NM_201597.3); short protein forms A55T, A103T, A75T, A49T, A48T.
Identifiers: ClinVar variation 4998466 (VCV004998466.1).